The following is an entry in ClinVar:

ClinVar aggregate classification (germline): Uncertain significance. Review status: criteria provided, multiple submitters, no conflicts (2 of 4 stars). 2 submissions from 2 submitters: Uncertain significance (2). Last evaluated 2025-03-04.

Allele frequency attached by ClinVar (database versions not stated): TOPMed 0.00003; ExAC 0.00009; gnomAD 0.00020.
gnomAD v4.1: 156 of 1,613,914 alleles (0.0097%); highest among the groups gnomAD compares: Middle Eastern, 0.016%; no homozygotes.

Submissions (2):

Labcorp Genetics (formerly Invitae), Labcorp
Classification: Uncertain significance. Last evaluated: 2025-03-04. Review status: criteria provided, single submitter. Criteria: Invitae Variant Classification Sherloc (09022015). Collection method: clinical testing. Allele origin: germline.
Comment: This sequence change replaces glycine, which is neutral and non-polar, with alanine, which is neutral and non-polar, at codon 101 of the CAPN1 protein (p.Gly101Ala). This variant is present in population databases (rs534135243, gnomAD 0.2%). This variant has not been reported in the literature in individuals affected with CAPN1-related conditions. ClinVar contains an entry for this variant (Variation ID: 1385628). Invitae Evidence Modeling of protein sequence and biophysical properties (such as structural, functional, and spatial information, amino acid conservation, physicochemical variation, residue mobility, and thermodynamic stability) indicates that this missense variant is expected to disrupt CAPN1 protein function with a positive predictive value of 80%. In summary, the available evidence is currently insufficient to determine the role of this variant in disease. Therefore, it has been classified as a Variant of Uncertain Significance.

Blueprint Genetics
Classification: Uncertain significance. Last evaluated: 2024-09-03. Review status: criteria provided, single submitter. Criteria: ACMG Guidelines, 2015. Collection method: clinical testing. Allele origin: germline.

NM_005186.4(CAPN1):c.302G>C (p.Gly101Ala)

Gene: CAPN1 (calpain 1; plus strand). Cytogenetic location: 11q13.1.
Variant type: single nucleotide variant.
Coding change: c.302G>C on transcript NM_005186.4 (MANE Select); coding-DNA position 302, G replaced by C.
Protein change: p.Gly101Ala; replaces glycine 101 with alanine.
Molecular consequence: missense variant.
Genome position (GRCh38, 1-based): chr11:65,183,162, G>C. VCF-style: chr11-65183162-G-C. GRCh37 (hg19) VCF-style: chr11-64950633-G-C.
Other names: c.302G>C, p.Gly101Ala (NM_001198868.2, NM_001198869.2); short protein forms G101A.
Identifiers: ClinVar variation 1385628 (VCV001385628.7), dbSNP rs534135243, ClinGen allele CA6093014.